The following is an entry in ClinVar:

NM_001199397.3(NEK1):c.2905A>G (p.Ile969Val)

Gene: NEK1 (NIMA related kinase 1; minus strand). Cytogenetic location: 4q33.
Variant type: single nucleotide variant.
Coding change: c.2905A>G on transcript NM_001199397.3 (MANE Select); coding-DNA position 2905, A replaced by G.
Protein change: p.Ile969Val; replaces isoleucine 969 with valine.
Molecular consequence: missense variant. On other transcripts: non-coding transcript variant (1).
Genome position (GRCh38, 1-based): chr4:169,426,215, T>C on the plus strand (A>G on the coding strand, the complement: NEK1 is on the minus strand). VCF-style: chr4-169426215-T-C. GRCh37 (hg19) VCF-style: chr4-170347366-T-C.
Other names: c.2773A>G, p.Ile925Val (NM_001199398.3); c.2614A>G, p.Ile872Val (NM_001199399.3); c.2689A>G, p.Ile897Val (NM_001199400.3); c.2905A>G, p.Ile969Val (NM_001374418.1); c.2821A>G, p.Ile941Val (NM_001374419.1, NM_012224.4); c.2770A>G, p.Ile924Val (NM_001374420.1); c.2422A>G, p.Ile808Val (NM_001374421.1); short protein forms I872V, I925V, I941V, I969V, I924V, I808V, I897V.
Identifiers: ClinVar variation 3710411 (VCV003710411.2).

ClinVar aggregate classification (germline): Uncertain significance (1 of 4 stars; one submission).

Conditions:
Short-rib thoracic dysplasia 6 with or without polydactyly (SRTD6). Also called: SHORT RIB-POLYDACTYLY SYNDROME, TYPE IIA; Majewski Syndrome; POLYDACTYLY WITH NEONATAL CHONDRODYSTROPHY, TYPE II; SHORT-RIB THORACIC DYSPLASIA 6 WITH POLYDACTYLY; SHORT-RIB THORACIC DYSPLASIA 6 WITHOUT POLYDACTYLY. Identifiers: MedGen C0024507, MONDO:0009894, OMIM 263520.

gnomAD v4.1: 2 of 1,613,352 alleles (0.00012%); highest among the groups gnomAD compares: Non-Finnish European, 0.00017%; no homozygotes.

Submission:

Labcorp Genetics (formerly Invitae), Labcorp
Classification: Uncertain significance for Short-rib thoracic dysplasia 6 with or without polydactyly. Last evaluated: 2024-08-15. Review status: criteria provided, single submitter. Criteria: Invitae Variant Classification Sherloc (09022015). Collection method: clinical testing. Allele origin: germline.
Comment: This sequence change replaces isoleucine, which is neutral and non-polar, with valine, which is neutral and non-polar, at codon 941 of the NEK1 protein (p.Ile941Val). This variant is present in population databases (no rsID available, gnomAD 0.007%). This variant has not been reported in the literature in individuals affected with NEK1-related conditions. Invitae Evidence Modeling of protein sequence and biophysical properties (such as structural, functional, and spatial information, amino acid conservation, physicochemical variation, residue mobility, and thermodynamic stability) indicates that this missense variant is not expected to disrupt NEK1 protein function with a negative predictive value of 80%. In summary, the available evidence is currently insufficient to determine the role of this variant in disease. Therefore, it has been classified as a Variant of Uncertain Significance.